The following is an entry in ClinVar:

ClinVar aggregate classification (germline): Uncertain significance (1 of 4 stars; one submission).

Allele frequency attached by ClinVar (database versions not stated): TOPMed below 0.00001; gnomAD 0.00001; gnomAD exomes 0.00001.
gnomAD v4.1: 21 of 1,590,856 alleles (0.0013%); highest among the groups gnomAD compares: Non-Finnish European, 0.0016%; no homozygotes.

Submission:

Women's Health and Genetics/Laboratory Corporation of America, LabCorp
Classification: Uncertain significance. Last evaluated: 2024-02-28. Review status: criteria provided, single submitter. Criteria: LabCorp Variant Classification Summary - May 2015. Collection method: clinical testing. Allele origin: germline.
Comment: Variant summary: GYG1 c.880-2A>G is located in a canonical splice-site and is predicted to affect mRNA splicing resulting in a significantly altered protein due to either exon skipping, shortening, or inclusion of intronic material. Several computational tools predict a significant impact on normal splicing: Four predict the variant abolishes the canonical 3' acceptor site. Three predict the variant creates a cryptic 3' acceptor site. However, these predictions have yet to be confirmed by functional studies. The variant was absent in 250958 control chromosomes. The available data on variant occurrences in the general population are insufficient to allow any conclusion about variant significance. To our knowledge, no occurrence of c.880-2A>G in individuals affected with Polyglucosan Body Myopathy Type 2 and no experimental evidence demonstrating its impact on protein function have been reported. No submitters have cited clinical-significance assessments for this variant to ClinVar. Based on the evidence outlined above, the variant was classified as uncertain significance.

NM_004130.4(GYG1):c.880-2A>G

Gene: GYG1 (glycogenin 1; plus strand). Cytogenetic location: 3q24.
Variant type: single nucleotide variant.
Coding change: c.880-2A>G on transcript NM_004130.4 (MANE Select); the canonical splice acceptor site of the intron before coding-DNA position 880, A replaced by G.
Molecular consequence: splice acceptor variant.
Genome position (GRCh38, 1-based): chr3:149,026,758, A>G. VCF-style: chr3-149026758-A-G. GRCh37 (hg19) VCF-style: chr3-148744545-A-G.
Other names: c.829-2A>G (NM_001184720.2); c.609-2A>G (NM_001184721.2).
Identifiers: ClinVar variation 3069020 (VCV003069020.2), dbSNP rs1057235560, ClinGen allele CA85520403.